The following is an entry in ClinVar:

NM_144670.6(A2ML1):c.159G>A (p.Thr53=)

Genes: A2ML1 (alpha-2-macroglobulin like 1; plus strand), A2ML1-AS1 (A2ML1 antisense RNA 1; minus strand). Cytogenetic location: 12p13.31.
Variant type: single nucleotide variant.
Coding change: c.159G>A on transcript NM_144670.6 (MANE Select); coding-DNA position 159, G replaced by A.
Protein change: p.Thr53=; no amino-acid change (threonine 53 retained).
Molecular consequence: synonymous variant.
Genome position (GRCh38, 1-based): chr12:8,823,278, G>A. VCF-style: chr12-8823278-G-A. GRCh37 (hg19) VCF-style: chr12-8975874-G-A.
Identifiers: ClinVar variation 515640 (VCV000515640.4), dbSNP rs767370461, ClinGen allele CA6435182.

ClinVar aggregate classification (germline): Likely benign. Review status: criteria provided, multiple submitters, no conflicts (2 of 4 stars). 3 submissions from 3 submitters: Likely benign (3). Last evaluated 2021-10-06.

Allele frequency attached by ClinVar (database versions not stated): TOPMed 0.00001.

Submissions (3):

Ambry Genetics
Classification: Likely benign. Last evaluated: 2021-10-06. Review status: criteria provided, single submitter. Criteria: Ambry Variant Classification Scheme 2023. Collection method: clinical testing. Allele origin: germline.

GeneDx
Classification: Likely benign. Last evaluated: 2018-02-15. Review status: criteria provided, single submitter. Criteria: GeneDx Variant Classification (06012015). Collection method: clinical testing. Allele origin: germline. Affected: yes.
Comment: This variant is considered likely benign or benign based on one or more of the following criteria: it is a conservative change, it occurs at a poorly conserved position in the protein, it is predicted to be benign by multiple in silico algorithms, and/or has population frequency not consistent with disease.

Breakthrough Genomics
Classification: Likely benign. Review status: criteria provided, single submitter. Criteria: ACMG Guidelines, 2015. Collection method: not provided. Allele origin: germline. Inheritance: Autosomal dominant inheritance. Affected: yes.